The following is an entry in ClinVar:

ClinVar aggregate classification (germline): Conflicting classifications of pathogenicity. Review status: criteria provided, conflicting classifications (1 of 4 stars). 5 submissions from 4 submitters: Uncertain significance (1); Likely benign (4). Last evaluated 2026-01-05.

Conditions:
Senior-Loken syndrome 8 (SLSN8). Identifiers: Orphanet 3156, MedGen C4225376, MONDO:0014579, OMIM 616307.
Asphyxiating thoracic dystrophy 5 (SRTD5). Also called: SHORT-RIB THORACIC DYSPLASIA 5 WITH OR WITHOUT POLYDACTYLY; SHORT-RIB THORACIC DYSPLASIA 5 WITHOUT POLYDACTYLY. Identifiers: Orphanet 474, MedGen C3280598, MONDO:0013717, OMIM 614376.
Cranioectodermal dysplasia 4 (CED4). Identifiers: Orphanet 1515, MedGen C3280616, MONDO:0013719, OMIM 614378.
Spermatogenic failure 72 (SPGF72). Identifiers: MedGen C5676980, MONDO:0030809, OMIM 619867.
Nephronophthisis 13 (NPHP13). Identifiers: Orphanet 655, MedGen C3280612, MONDO:0013718, OMIM 614377.

Allele frequency attached by ClinVar (database versions not stated): gnomAD 0.00031 and 0.00045; gnomAD exomes 0.00036 and 0.00077; TOPMed 0.00051; ExAC 0.00079; 1000 Genomes Project 30x 0.00219; 1000 Genomes Project 0.00220.
gnomAD v4.1: 603 of 1,608,064 alleles (0.037%); highest among the groups gnomAD compares: East Asian, 0.87%; 1 homozygote.

Submissions (5):

Labcorp Genetics (formerly Invitae), Labcorp
Classification: Likely benign for Senior-Loken syndrome 8; Asphyxiating thoracic dystrophy 5. Last evaluated: 2026-01-05. Review status: criteria provided, single submitter. Criteria: Invitae Variant Classification Sherloc (09022015). Collection method: clinical testing. Allele origin: germline.

Blueprint Genetics
Classification: Likely benign. Last evaluated: 2024-04-02. Review status: criteria provided, single submitter. Criteria: ACMG Guidelines, 2015. Collection method: clinical testing. Allele origin: germline.

Department of Pathology and Laboratory Medicine, Sinai Health System
Classification: Uncertain significance for Asphyxiating thoracic dystrophy 5; Nephronophthisis 13; Cranioectodermal dysplasia 4; Senior-Loken syndrome 8; Spermatogenic failure 72. Last evaluated: 2021-11-16. Review status: criteria provided, single submitter. Criteria: ACMG Guidelines, 2015. Collection method: research. Allele origin: germline.

Illumina Laboratory Services, Illumina
Classification: Likely benign for Asphyxiating thoracic dystrophy 5. Last evaluated: 2018-01-13. Review status: criteria provided, single submitter. Criteria: ICSL Variant Classification Criteria 13 December 2019. Collection method: clinical testing. Allele origin: germline.
Comment: This variant was observed in the ICSL laboratory as part of a predisposition screen in an ostensibly healthy population. It had not been previously curated by ICSL or reported in the Human Gene Mutation Database (HGMD: prior to June 1st, 2018), and was therefore a candidate for classification through an automated scoring system. Utilizing variant allele frequency, disease prevalence and penetrance estimates, and inheritance mode, an automated score was calculated to assess if this variant is too frequent to cause the disease. Based on the score and internal cut-off values, a variant classified as likely benign is not then subjected to further curation. The score for this variant resulted in a classification of likely benign for this disease.

Illumina Laboratory Services, Illumina
Classification: Likely benign for Cranioectodermal dysplasia 4. Last evaluated: 2018-01-13. Review status: criteria provided, single submitter. Criteria: ICSL Variant Classification Criteria 13 December 2019. Collection method: clinical testing. Allele origin: germline.
Comment: the same text as in the submission from Illumina Laboratory Services, Illumina above.

NM_025132.4(WDR19):c.2239A>G (p.Ile747Val)

Gene: WDR19 (WD repeat domain 19; plus strand). Cytogenetic location: 4p14.
Variant type: single nucleotide variant.
Coding change: c.2239A>G on transcript NM_025132.4 (MANE Select); coding-DNA position 2239, A replaced by G.
Protein change: p.Ile747Val; replaces isoleucine 747 with valine.
Molecular consequence: missense variant.
Genome position (GRCh38, 1-based): chr4:39,232,258, A>G. VCF-style: chr4-39232258-A-G. GRCh37 (hg19) VCF-style: chr4-39233878-A-G.
Other names: c.1759A>G, p.Ile587Val (NM_001317924.2); short protein forms I747V, I587V.
Identifiers: ClinVar variation 476156 (VCV000476156.17), dbSNP rs144335584, ClinGen allele CA2892033.